The following is an entry in ClinVar:

ClinVar aggregate classification (germline): Uncertain significance (1 of 4 stars; one submission).

Submission:

Labcorp Genetics (formerly Invitae), Labcorp
Classification: Uncertain significance. Last evaluated: 2025-05-12. Review status: criteria provided, single submitter. Criteria: Invitae Variant Classification Sherloc (09022015). Collection method: clinical testing. Allele origin: germline.
Comment: This sequence change replaces tryptophan, which is neutral and slightly polar, with cysteine, which is neutral and slightly polar, at codon 113 of the LIPI protein (p.Trp113Cys). This variant is not present in population databases (gnomAD no frequency). This variant has not been reported in the literature in individuals affected with LIPI-related conditions. An algorithm developed to predict the effect of missense changes on protein structure and function (PolyPhen-2) suggests that this variant is likely to be disruptive. In summary, the available evidence is currently insufficient to determine the role of this variant in disease. Therefore, it has been classified as a Variant of Uncertain Significance.

NM_001302998.2(LIPI):c.276G>C (p.Trp92Cys)

Gene: LIPI (lipase I; minus strand). Cytogenetic location: 21q11.2.
Variant type: single nucleotide variant.
Coding change: c.276G>C on transcript NM_001302998.2 (MANE Select); coding-DNA position 276, G replaced by C.
Protein change: p.Trp92Cys; replaces tryptophan 92 with cysteine.
Molecular consequence: missense variant. On other transcripts: intron variant (1).
Genome position (GRCh38, 1-based): chr21:14,189,190, C>G on the plus strand (G>C on the coding strand, the complement: LIPI is on the minus strand). VCF-style: chr21-14189190-C-G. GRCh37 (hg19) VCF-style: chr21-15561511-C-G.
Other names: c.276G>C, p.Trp92Cys (NM_001302999.2, NM_001303000.2, NM_001303001.2 and 1 more transcripts); c.141G>C, p.Trp47Cys (NM_198996.4); c.47-7331G>C (NM_001379566.1); short protein forms W47C, W92C.
Identifiers: ClinVar variation 4778445 (VCV004778445.1).
Genomic context (GRCh38, chr21:14,189,190, plus strand): 5'-GTCTACTACAATTACATTCATATCTTCTTCATTCAGCAAAATCCTTACGAAGTTCTGAAG[C>G]CATAATGGGATGGAGCCTACTGGTCTGTATCCGTGAATAAGCCAGACTGTTTTCTTTTGT-3'
Protein context (NP_001289927.1, residues 82-102): GYRPVGSIPL[Trp92Cys]LQNFVRILLN